The following is an entry in ClinVar:

NM_152594.3(SPRED1):c.1246T>C (p.Cys416Arg)

Gene: SPRED1 (sprouty related EVH1 domain containing 1; plus strand). Cytogenetic location: 15q14.
Variant type: single nucleotide variant.
Coding change: c.1246T>C on transcript NM_152594.3 (MANE Select); coding-DNA position 1246, T replaced by C.
Protein change: p.Cys416Arg; replaces cysteine 416 with arginine.
Molecular consequence: missense variant.
Genome position (GRCh38, 1-based): chr15:38,351,575, T>C. VCF-style: chr15-38351575-T-C. GRCh37 (hg19) VCF-style: chr15-38643776-T-C.
Other names: short protein forms C416R.
Identifiers: ClinVar variation 848886 (VCV000848886.7), dbSNP rs1888490204, ClinGen allele CA391934673.

ClinVar aggregate classification (germline): Conflicting classifications of pathogenicity. Review status: criteria provided, conflicting classifications (1 of 4 stars). 2 submissions from 2 submitters: Pathogenic (1); Uncertain significance (1). Last evaluated 2024-10-02.

Conditions:
Cardiovascular phenotype. Identifiers: MedGen CN230736.
Legius syndrome. Identifiers: Orphanet 137605, MedGen C1969623, MONDO:0012669, OMIM 611431. Disease mechanism: loss of function.

gnomAD v4.1: 1 of 1,614,126 alleles (0.000062%); highest among the groups gnomAD compares: Non-Finnish European, 0.000085%; no homozygotes.

Submissions (2):

Ambry Genetics
Classification: Pathogenic for Cardiovascular phenotype. Last evaluated: 2024-10-02. Review status: criteria provided, single submitter. Criteria: Ambry Variant Classification Scheme 2023. Collection method: clinical testing. Allele origin: germline.
Comment: The p.C416R pathogenic mutation (also known as c.1246T>C), located in coding exon 7 of the SPRED1 gene, results from a T to C substitution at nucleotide position 1246. The cysteine at codon 416 is replaced by arginine, an amino acid with highly dissimilar properties. This variant has been observed in multiple individuals with a personal and/or family history that is consistent with SPRED1-associated disease (Medina Lemus A et al. Am J Med Genet A. 2024 Jun;194:e63547; Spencer E et al. Am J Med Genet A. 2011 Jun;155A:1352-9; Ambry internal data; external communication). This amino acid position is highly conserved in available vertebrate species. In addition, this alteration is predicted to be deleterious by in silico analysis. Based on the supporting evidence, this variant is interpreted as a disease-causing mutation.

Labcorp Genetics (formerly Invitae), Labcorp
Classification: Uncertain significance for Legius syndrome. Last evaluated: 2022-09-14. Review status: criteria provided, single submitter. Criteria: Invitae Variant Classification Sherloc (09022015). Collection method: clinical testing. Allele origin: germline.
Comment: This sequence change replaces cysteine, which is neutral and slightly polar, with arginine, which is basic and polar, at codon 416 of the SPRED1 protein (p.Cys416Arg). This variant is not present in population databases (gnomAD no frequency). This variant has not been reported in the literature in individuals affected with SPRED1-related conditions. ClinVar contains an entry for this variant (Variation ID: 848886). Advanced modeling of protein sequence and biophysical properties (such as structural, functional, and spatial information, amino acid conservation, physicochemical variation, residue mobility, and thermodynamic stability) performed at Invitae indicates that this missense variant is expected to disrupt SPRED1 protein function. In summary, the available evidence is currently insufficient to determine the role of this variant in disease. Therefore, it has been classified as a Variant of Uncertain Significance.

Literature cited by the submitters: PubMed 21548021 (cited by Ambry Genetics); PubMed 38268057 (cited by Ambry Genetics).